The following is an entry in ClinVar:

ClinVar aggregate classification (germline): Pathogenic (1 of 4 stars; one submission).

Submission:

Labcorp Genetics (formerly Invitae), Labcorp
Classification: Pathogenic. Last evaluated: 2023-08-16. Review status: criteria provided, single submitter. Criteria: Invitae Variant Classification Sherloc (09022015). Collection method: clinical testing. Allele origin: germline.
Comment: For these reasons, this variant has been classified as Pathogenic. This variant has not been reported in the literature in individuals affected with HPS5-related conditions. This variant is not present in population databases (gnomAD no frequency). This sequence change creates a premature translational stop signal (p.Pro527Hisfs*40) in the HPS5 gene. It is expected to result in an absent or disrupted protein product. Loss-of-function variants in HPS5 are known to be pathogenic (PMID: 12548288, 15296495, 21833017, 26785811).

Literature cited by the submitters: PubMed 12548288; PubMed 15296495; PubMed 21833017; PubMed 26785811.

NM_181507.2(HPS5):c.1578del (p.Pro527fs)

Gene: HPS5 (HPS5 biogenesis of lysosomal organelles complex 2 subunit 2; minus strand). Cytogenetic location: 11p15.1.
Variant type: Deletion.
Coding change: c.1578del on transcript NM_181507.2 (MANE Select); coding-DNA position 1578, one base deleted (T; older notation c.1578delT).
Protein change: p.Pro527fs; shifts the reading frame from proline 527.
Molecular consequence: frameshift variant.
Genome position (GRCh38, 1-based): chr11:18,296,055, A deleted on the plus strand (T on the coding strand, the reverse complement: HPS5 is on the minus strand); the first of 2 consecutive A bases (chr11:18,296,055-18,296,056); deleting either gives the same sequence. VCF-style (leftmost placement, unchanged base first): chr11-18296054-GA-G. GRCh37 (hg19) VCF-style: chr11-18317601-GA-G.
Other names: c.1236del, p.Pro413fs (NM_007216.4); c.1235delT, p.Pro413Hisfs (NM_181508.2); short protein forms P413fs, P527fs.
Identifiers: ClinVar variation 2856022 (VCV002856022.3), dbSNP rs2494708669, ClinGen allele CA2612729034.